The following is an entry in ClinVar:

NM_006790.3(MYOT):c.1483A>G (p.Ser495Gly)

Genes: PKD2L2-DT (PKD2L2 divergent transcript; minus strand), MYOT (myotilin; plus strand). Cytogenetic location: 5q31.2.
Variant type: single nucleotide variant.
Coding change: c.1483A>G on transcript NM_006790.3 (MANE Select); coding-DNA position 1483, A replaced by G.
Protein change: p.Ser495Gly; replaces serine 495 with glycine.
Molecular consequence: missense variant.
Genome position (GRCh38, 1-based): chr5:137,887,371, A>G. VCF-style: chr5-137887371-A-G. GRCh37 (hg19) VCF-style: chr5-137223060-A-G.
Other names: c.931A>G, p.Ser311Gly (NM_001135940.2); c.1138A>G, p.Ser380Gly (NM_001300911.2); short protein forms S311G, S380G, S495G.
Identifiers: ClinVar variation 3697740 (VCV003697740.2).

ClinVar aggregate classification (germline): Uncertain significance (1 of 4 stars; one submission).

Conditions:
Myofibrillar myopathy 3 (MFM3). Also called: Autosomal dominant spheroid body myopathy; Muscular dystrophy, proximal, type 1A. Identifiers: Orphanet 266, Orphanet 268129, MedGen C3714934, MONDO:0012215, OMIM 609200.

Submission:

Labcorp Genetics (formerly Invitae), Labcorp
Classification: Uncertain significance for Myofibrillar myopathy 3. Last evaluated: 2024-02-13. Review status: criteria provided, single submitter. Criteria: Invitae Variant Classification Sherloc (09022015). Collection method: clinical testing. Allele origin: germline.
Comment: This sequence change replaces serine, which is neutral and polar, with glycine, which is neutral and non-polar, at codon 495 of the MYOT protein (p.Ser495Gly). This variant is not present in population databases (gnomAD no frequency). This variant has not been reported in the literature in individuals affected with MYOT-related conditions. An algorithm developed to predict the effect of missense changes on protein structure and function (PolyPhen-2) suggests that this variant is likely to be disruptive. Algorithms developed to predict the effect of sequence changes on RNA splicing suggest that this variant may create or strengthen a splice site. In summary, the available evidence is currently insufficient to determine the role of this variant in disease. Therefore, it has been classified as a Variant of Uncertain Significance.